The following is an entry in ClinVar:

ClinVar aggregate classification (germline): Uncertain significance (1 of 4 stars; one submission).

Submission:

GeneDx
Classification: Uncertain significance. Last evaluated: 2025-06-30. Review status: criteria provided, single submitter. Criteria: GeneDx Variant Classification Process June 2021. Collection method: clinical testing. Allele origin: germline. Affected: yes.
Comment: Not observed at significant frequency in large population cohorts (gnomAD); In silico analysis supports that this missense variant has a deleterious effect on protein structure/function; Has not been previously published as pathogenic or benign to our knowledge

NM_001330360.2(POLA1):c.1987C>A (p.Pro663Thr)

Gene: POLA1 (DNA polymerase alpha 1, catalytic subunit; plus strand). Cytogenetic location: Xp22.11.
Variant type: single nucleotide variant.
Coding change: c.1987C>A on transcript NM_001330360.2 (MANE Select); coding-DNA position 1987, C replaced by A.
Protein change: p.Pro663Thr; replaces proline 663 with threonine.
Molecular consequence: missense variant. On other transcripts: non-coding transcript variant (1).
Genome position (GRCh38, 1-based): chrX:24,737,688, C>A. VCF-style: chrX-24737688-C-A. GRCh37 (hg19) VCF-style: chrX-24755805-C-A.
Other names: c.1912C>A, p.Pro638Thr (NM_001378303.1); c.1987C>A, p.Pro663Thr (NM_001440806.1); c.1969C>A, p.Pro657Thr (NM_016937.4); short protein forms P638T, P657T, P663T.
Identifiers: ClinVar variation 4680945 (VCV004680945.1).